The following is an entry in ClinVar:

ClinVar aggregate classification (germline): Uncertain significance (1 of 4 stars; one submission).

Submission:

Labcorp Genetics (formerly Invitae), Labcorp
Classification: Uncertain significance. Last evaluated: 2021-09-23. Review status: criteria provided, single submitter. Criteria: Invitae Variant Classification Sherloc (09022015). Collection method: clinical testing. Allele origin: germline.
Comment: This sequence change replaces serine with phenylalanine at codon 30 of the GATA5 protein (p.Ser30Phe). The serine residue is moderately conserved and there is a large physicochemical difference between serine and phenylalanine. In summary, the available evidence is currently insufficient to determine the role of this variant in disease. Therefore, it has been classified as a Variant of Uncertain Significance. Algorithms developed to predict the effect of missense changes on protein structure and function are either unavailable or do not agree on the potential impact of this missense change (SIFT: "Deleterious"; PolyPhen-2: "Possibly Damaging"; Align-GVGD: "Class C0"). This variant has not been reported in the literature in individuals affected with GATA5-related conditions. The frequency data for this variant in the population databases is considered unreliable, as metrics indicate insufficient coverage at this position in the ExAC database.

NM_080473.5(GATA5):c.89C>T (p.Ser30Phe)

Gene: GATA5 (GATA binding protein 5; minus strand). Cytogenetic location: 20q13.33.
Variant type: single nucleotide variant.
Coding change: c.89C>T on transcript NM_080473.5 (MANE Select); coding-DNA position 89, C replaced by T.
Protein change: p.Ser30Phe; replaces serine 30 with phenylalanine.
Molecular consequence: missense variant.
Genome position (GRCh38, 1-based): chr20:62,475,433, G>A on the plus strand (C>T on the coding strand, the complement: GATA5 is on the minus strand). VCF-style: chr20-62475433-G-A. GRCh37 (hg19) VCF-style: chr20-61050489-G-A.
Other names: short protein forms S30F.
Identifiers: ClinVar variation 1483706 (VCV001483706.6), dbSNP rs2146490833, ClinGen allele CA409557904.
Genomic context (GRCh38, chr20:62,475,433, plus strand): 5'-TCACACCCGGACAGGTAGGACAGCATCGAGGGGACGCGCGCCGGCGGCACAAACATCGGA[G>A]AGCCGGCGCCCGGAGCGTGCAGGAAGGAGCCCGAGTCGGCGTAGGCGGCCTGGCGGGGGC-3'
Protein context (NP_536721.1, residues 20-40): GSFLHAPGAG[Ser30Phe]PMFVPPARVP